The following is an entry in ClinVar:

NM_147127.5(EVC2):c.369_370del (p.Trp123fs)

Gene: EVC2 (EvC ciliary complex subunit 2; minus strand). Cytogenetic location: 4p16.2.
Variant type: Deletion.
Coding change: c.369_370del on transcript NM_147127.5 (MANE Select); coding-DNA positions 369 to 370, 2 bases deleted (GG; older notation c.369_370delGG).
Protein change: p.Trp123fs; shifts the reading frame from tryptophan 123.
Molecular consequence: frameshift variant.
Genome position (GRCh38, 1-based): chr4:5,694,415-5,694,416, CC deleted on the plus strand (GG on the coding strand, the reverse complement: EVC2 is on the minus strand); deleting any 2 consecutive bases within chr4:5,694,415-5,694,417 gives the same sequence; the c. name uses the placement nearest the transcript's 3' end. VCF-style (leftmost placement, unchanged base first): chr4-5694414-GCC-G. GRCh37 (hg19) VCF-style: chr4-5696141-GCC-G.
Other names: c.129_130del, p.Trp43fs (NM_001166136.2); short protein forms W123fs, W43fs.
Identifiers: ClinVar variation 2017784 (VCV002017784.4), dbSNP rs2474100561, ClinGen allele CA2580070771.

ClinVar aggregate classification (germline): Pathogenic (1 of 4 stars; one submission).

Conditions:
Ellis-van Creveld syndrome (EVC). Also called: EVC-Related Ellis-van Creveld Syndrome; EVC2-Related Ellis-van Creveld Syndrome; MESOECTODERMAL DYSPLASIA; Chondroectodermal dysplasia. Identifiers: Orphanet 289, MedGen C0013903, MONDO:0009162, OMIM 225500.
Curry-Hall syndrome (WAD). Also called: WEYERS ACRODENTAL DYSOSTOSIS. Identifiers: Orphanet 952, MedGen C0457013, MONDO:0008673, OMIM 193530.

Submission:

Labcorp Genetics (formerly Invitae), Labcorp
Classification: Pathogenic for Curry-Hall syndrome; Ellis-van Creveld syndrome. Last evaluated: 2022-07-17. Review status: criteria provided, single submitter. Criteria: Invitae Variant Classification Sherloc (09022015). Collection method: clinical testing. Allele origin: germline.
Comment: This variant has not been reported in the literature in individuals affected with EVC2-related conditions. This variant is not present in population databases (gnomAD no frequency). This sequence change creates a premature translational stop signal (p.Trp123Cysfs*13) in the EVC2 gene. It is expected to result in an absent or disrupted protein product. Loss-of-function variants in EVC2 are known to be pathogenic (PMID: 17024374, 19810119, 19876929). For these reasons, this variant has been classified as Pathogenic.

Literature cited by the submitters: PubMed 17024374; PubMed 19810119; PubMed 19876929.